The following is an entry in ClinVar:

ClinVar aggregate classification (germline): Benign. Review status: criteria provided, multiple submitters, no conflicts (2 of 4 stars). 2 submissions from 2 submitters: Benign (2). Last evaluated 2026-02-04.

Allele frequency attached by ClinVar (database versions not stated): ESP Exome Variant Server 0.00031; gnomAD 0.00051 and 0.00070; TOPMed 0.00103; gnomAD exomes 0.00148; ExAC 0.00153; 1000 Genomes Project 30x 0.00234; 1000 Genomes Project 0.00280.
gnomAD v4.1: 1,156 of 1,550,368 alleles (0.075%); highest among the groups gnomAD compares: East Asian, 1.6%; 12 homozygotes.

Submissions (2):

Labcorp Genetics (formerly Invitae), Labcorp
Classification: Benign. Last evaluated: 2026-02-04. Review status: criteria provided, single submitter. Criteria: Invitae Variant Classification Sherloc (09022015). Collection method: clinical testing. Allele origin: germline.

Women's Health and Genetics/Laboratory Corporation of America, LabCorp
Classification: Benign. Last evaluated: 2019-11-18. Review status: criteria provided, single submitter. Criteria: LabCorp Variant Classification Summary - May 2015. Collection method: clinical testing. Allele origin: germline.
Comment: Variant summary: LZTR1 c.2407-19C>T alters a non-conserved nucleotide located close to a canonical splice site and therefore could affect mRNA splicing, leading to a significantly altered protein sequence. 4/4 computational tools predict no significant impact on normal splicing. However, these predictions have yet to be confirmed by functional studies. The variant allele was found at a frequency of 0.0015 in 249424 control chromosomes in the gnomAD database, including 4 homozygotes. The observed variant frequency is approximately 295.88 fold of the estimated maximal expected allele frequency for a pathogenic variant in LZTR1 causing Noonan Syndrome and Related Conditions phenotype (5e-06), strongly suggesting that the variant is benign. To our knowledge, no occurrence of c.2407-19C>T in individuals affected with Noonan Syndrome and Related Conditions and no experimental evidence demonstrating its impact on protein function have been reported. No clinical diagnostic laboratories have submitted clinical-significance assessments for this variant to ClinVar after 2014. Based on the evidence outlined above, the variant was classified as benign.

NM_006767.4(LZTR1):c.2407-19C>T

Gene: LZTR1 (leucine zipper like post translational regulator 1; plus strand). Cytogenetic location: 22q11.21.
Variant type: single nucleotide variant.
Coding change: c.2407-19C>T on transcript NM_006767.4 (MANE Select); 19 bases into the intron before coding-DNA position 2407, C replaced by T.
Molecular consequence: intron variant.
Genome position (GRCh38, 1-based): chr22:20,997,213, C>T. VCF-style: chr22-20997213-C-T. GRCh37 (hg19) VCF-style: chr22-21351502-C-T.
Identifiers: ClinVar variation 929195 (VCV000929195.10), dbSNP rs151123840, ClinGen allele CA10119445.